The following is an entry in ClinVar:

NM_020632.3(ATP6V0A4):c.1632G>A (p.Ser544=)

Gene: ATP6V0A4 (ATPase H+ transporting V0 subunit a4; minus strand). Cytogenetic location: 7q34.
Variant type: single nucleotide variant.
Coding change: c.1632G>A on transcript NM_020632.3 (MANE Select); coding-DNA position 1632, G replaced by A.
Protein change: p.Ser544=; no amino-acid change (serine 544 retained).
Molecular consequence: synonymous variant.
Genome position (GRCh38, 1-based): chr7:138,734,195, C>T on the plus strand (G>A on the coding strand, the complement: ATP6V0A4 is on the minus strand). VCF-style: chr7-138734195-C-T. GRCh37 (hg19) VCF-style: chr7-138418940-C-T.
Other names: c.1632G>A, p.Ser544= (NM_130840.3, NM_130841.3); c.1632G>A (NM_020632.2).
Identifiers: ClinVar variation 4754795 (VCV004754795.2).

ClinVar aggregate classification (germline): Likely benign. Review status: criteria provided, multiple submitters, no conflicts (2 of 4 stars). 2 submissions from 2 submitters: Likely benign (2). Last evaluated 2026-01-14.

Conditions:
ATP6V0A4-related disorder. Also called: ATP6V0A4-related condition.

gnomAD v4.1: 79 of 1,613,712 alleles (0.0049%); highest among the groups gnomAD compares: Middle Eastern, 0.016%; no homozygotes.

Submissions (2):

Labcorp Genetics (formerly Invitae), Labcorp
Classification: Likely benign. Last evaluated: 2026-01-14. Review status: criteria provided, single submitter. Criteria: Invitae Variant Classification Sherloc (09022015). Collection method: clinical testing. Allele origin: germline.

PreventionGenetics, part of Exact Sciences
Classification: Likely benign for ATP6V0A4-related condition. Last evaluated: 2025-07-23. Review status: criteria provided, single submitter. Criteria: ACMG Guidelines, 2015. Collection method: clinical testing. Allele origin: germline.
Comment: This variant is classified as likely benign based on ACMG/AMP sequence variant interpretation guidelines (Richards et al. 2015 PMID: 25741868, with internal and published modifications).